The following is an entry in ClinVar:

NM_080632.3(UPF3B):c.56C>T (p.Pro19Leu)

Gene: UPF3B (UPF3B regulator of nonsense mediated mRNA decay; minus strand). Cytogenetic location: Xq24.
Variant type: single nucleotide variant.
Coding change: c.56C>T on transcript NM_080632.3 (MANE Select); coding-DNA position 56, C replaced by T.
Protein change: p.Pro19Leu; replaces proline 19 with leucine.
Molecular consequence: missense variant.
Genome position (GRCh38, 1-based): chrX:119,852,873, G>A on the plus strand (C>T on the coding strand, the complement: UPF3B is on the minus strand). VCF-style: chrX-119852873-G-A. GRCh37 (hg19) VCF-style: chrX-118986836-G-A.
Other names: c.56C>T, p.Pro19Leu (NM_023010.4); short protein forms P19L.
Identifiers: ClinVar variation 2082434 (VCV002082434.4), dbSNP rs757733776, ClinGen allele CA10503388.

ClinVar aggregate classification (germline): Uncertain significance (1 of 4 stars; one submission).

Conditions:
Intellectual developmental disorder, X-linked, syndromic 14. Also called: Syndromic X-linked intellectual disability 14. Identifiers: Orphanet 776, MedGen C1970822, MONDO:0010398, OMIM 300676.

Allele frequency attached by ClinVar (database versions not stated): ExAC 0.00001.

Submission:

Labcorp Genetics (formerly Invitae), Labcorp
Classification: Uncertain significance for Intellectual developmental disorder, X-linked, syndromic 14. Last evaluated: 2025-02-16. Review status: criteria provided, single submitter. Criteria: Invitae Variant Classification Sherloc (09022015). Collection method: clinical testing. Allele origin: germline.
Comment: This sequence change replaces proline, which is neutral and non-polar, with leucine, which is neutral and non-polar, at codon 19 of the UPF3B protein (p.Pro19Leu). This variant is present in population databases (rs757733776, gnomAD 0.001%). This variant has not been reported in the literature in individuals affected with UPF3B-related conditions. ClinVar contains an entry for this variant (Variation ID: 2082434). An algorithm developed to predict the effect of missense changes on protein structure and function (PolyPhen-2) suggests that this variant is likely to be disruptive. In summary, the available evidence is currently insufficient to determine the role of this variant in disease. Therefore, it has been classified as a Variant of Uncertain Significance.